The following is an entry in ClinVar:

ClinVar aggregate classification (germline): Uncertain significance (1 of 4 stars; one submission).

Conditions:
Fanconi anemia complementation group J. Also called: BRIP1-Related Fanconi Anemia. Identifiers: Orphanet 84, MedGen C1836860, MONDO:0012187, OMIM 609054.
Familial cancer of breast. Also called: BREAST CANCER, FAMILIAL; Hereditary breast cancer; hereditary breast carcinoma. Identifiers: Orphanet 227535, MedGen C0346153, MONDO:0016419, OMIM 114480. Disease mechanism: loss of function.

Submission:

Labcorp Genetics (formerly Invitae), Labcorp
Classification: Uncertain significance for Familial cancer of breast; Fanconi anemia complementation group J. Last evaluated: 2024-09-04. Review status: criteria provided, single submitter. Criteria: Invitae Variant Classification Sherloc (09022015). Collection method: clinical testing. Allele origin: germline.
Comment: This sequence change replaces glycine, which is neutral and non-polar, with serine, which is neutral and polar, at codon 813 of the BRIP1 protein (p.Gly813Ser). This variant is not present in population databases (gnomAD no frequency). This variant has not been reported in the literature in individuals affected with BRIP1-related conditions. Invitae Evidence Modeling of protein sequence and biophysical properties (such as structural, functional, and spatial information, amino acid conservation, physicochemical variation, residue mobility, and thermodynamic stability) indicates that this missense variant is expected to disrupt BRIP1 protein function with a positive predictive value of 80%. In summary, the available evidence is currently insufficient to determine the role of this variant in disease. Therefore, it has been classified as a Variant of Uncertain Significance.

NM_032043.3(BRIP1):c.2437G>A (p.Gly813Ser)

Gene: BRIP1 (BRCA1 interacting DNA helicase 1; minus strand). Cytogenetic location: 17q23.2.
Variant type: single nucleotide variant.
Coding change: c.2437G>A on transcript NM_032043.3 (MANE Select); coding-DNA position 2437, G replaced by A.
Protein change: p.Gly813Ser; replaces glycine 813 with serine.
Molecular consequence: missense variant.
Genome position (GRCh38, 1-based): chr17:61,716,006, C>T on the plus strand (G>A on the coding strand, the complement: BRIP1 is on the minus strand). VCF-style: chr17-61716006-C-T. GRCh37 (hg19) VCF-style: chr17-59793367-C-T.
Other names: short protein forms G813S.
Identifiers: ClinVar variation 3757970 (VCV003757970.2).